The following is an entry in ClinVar:

ClinVar aggregate classification (germline): Uncertain significance. Review status: criteria provided, multiple submitters, no conflicts (2 of 4 stars). 3 submissions from 3 submitters: Uncertain significance (3). Last evaluated 2023-12-11.

Conditions:
Leber congenital amaurosis 3 (LCA3). Also called: SPATA7-Related Retinitis Pigmentosa. Identifiers: MedGen C1858677, MONDO:0011415, OMIM 604232.

Allele frequency attached by ClinVar (database versions not stated): gnomAD 0.00002; ExAC 0.00003; gnomAD exomes 0.00003 and 0.00004; ESP Exome Variant Server 0.00008.
gnomAD v4.1: 65 of 1,612,666 alleles (0.004%); highest among the groups gnomAD compares: Non-Finnish European, 0.0053%; no homozygotes.

Submissions (3):

Labcorp Genetics (formerly Invitae), Labcorp
Classification: Uncertain significance for Leber congenital amaurosis 3. Last evaluated: 2023-12-11. Review status: criteria provided, single submitter. Criteria: Invitae Variant Classification Sherloc (09022015). Collection method: clinical testing. Allele origin: germline.
Comment: This sequence change falls in intron 2 of the SPATA7 gene. It does not directly change the encoded amino acid sequence of the SPATA7 protein. It affects a nucleotide within the consensus splice site. This variant is present in population databases (rs371618316, gnomAD 0.006%). This variant has not been reported in the literature in individuals affected with SPATA7-related conditions. ClinVar contains an entry for this variant (Variation ID: 1393660). Variants that disrupt the consensus splice site are a relatively common cause of aberrant splicing (PMID: 17576681, 9536098). Algorithms developed to predict the effect of sequence changes on RNA splicing suggest that this variant may disrupt the consensus splice site. In summary, the available evidence is currently insufficient to determine the role of this variant in disease. Therefore, it has been classified as a Variant of Uncertain Significance.

Women's Health and Genetics/Laboratory Corporation of America, LabCorp
Classification: Uncertain significance. Last evaluated: 2023-12-07. Review status: criteria provided, single submitter. Criteria: LabCorp Variant Classification Summary - May 2015. Collection method: clinical testing. Allele origin: germline.

Blueprint Genetics
Classification: Uncertain significance. Last evaluated: 2020-09-08. Review status: criteria provided, single submitter. Criteria: ACMG Guidelines, 2015. Collection method: clinical testing. Allele origin: germline.

Literature cited by the submitters: PubMed 17576681 (cited by Labcorp Genetics (formerly Invitae), Labcorp); PubMed 9536098 (cited by Labcorp Genetics (formerly Invitae), Labcorp).

NM_018418.5(SPATA7):c.94+5G>A

Gene: SPATA7 (spermatogenesis associated 7; plus strand). Cytogenetic location: 14q31.3.
Variant type: single nucleotide variant.
Coding change: c.94+5G>A on transcript NM_018418.5 (MANE Select); 5 bases into the intron after coding-DNA position 94, G replaced by A.
Molecular consequence: intron variant.
Genome position (GRCh38, 1-based): chr14:88,391,460, G>A. VCF-style: chr14-88391460-G-A. GRCh37 (hg19) VCF-style: chr14-88857804-G-A.
Other names: c.94+5G>A (NM_001040428.4).
Identifiers: ClinVar variation 1393660 (VCV001393660.7), dbSNP rs371618316, ClinGen allele CA7298364.